The following is an entry in ClinVar:

NM_175914.5(HNF4A):c.335G>T (p.Arg112Leu)

Gene: HNF4A (hepatocyte nuclear factor 4 alpha; plus strand). Cytogenetic location: 20q13.12.
Variant type: single nucleotide variant.
Coding change: c.335G>T on transcript NM_175914.5 (MANE Select); coding-DNA position 335, G replaced by T.
Protein change: p.Arg112Leu; replaces arginine 112 with leucine.
Molecular consequence: missense variant.
Genome position (GRCh38, 1-based): chr20:44,413,709, G>T. VCF-style: chr20-44413709-G-T. GRCh37 (hg19) VCF-style: chr20-43042349-G-T.
Other names: c.401G>T, p.Arg134Leu (NM_000457.6, NM_178849.3, NM_178850.3); c.335G>T, p.Arg112Leu (NM_001030003.3, NM_001030004.3); c.380G>T, p.Arg127Leu (NM_001258355.2); c.326G>T, p.Arg109Leu (NM_001287182.2, NM_001287183.2, NM_001287184.2); short protein forms R109L, R112L, R127L, R134L.
Identifiers: ClinVar variation 3766984 (VCV003766984.1).
Genomic context (GRCh38, chr20:44,413,709, plus strand): 5'-CTCCATCCCTGTTCTCCCTCCTCACCTCTCTGTGCCTCCTCACAGCCGTCCAGAATGAGC[G>T]GGACCGGATCAGCACTCGAAGGTCAAGCTATGAGGACAGCAGCCTGCCCTCCATCAATGC-3'
Protein context (NP_787110.2, residues 102-122): GMKKEAVQNE[Arg112Leu]DRISTRRSSY

ClinVar aggregate classification (germline): Likely pathogenic (1 of 4 stars; one submission).

Submission:

ARUP Laboratories, Molecular Genetics and Genomics, ARUP Laboratories
Classification: Likely pathogenic. Last evaluated: 2023-12-05. Review status: criteria provided, single submitter. Criteria: ARUP Molecular Germline Variant Investigation Process 2024. Collection method: clinical testing. Allele origin: germline.
Comment: The HNF4A c.335G>T; p.Arg112Leu variant, also known as c.401G>T; p.Arg134Leu for NM_000457.5, to our knowledge, is not reported in the medical literature or gene specific databases. This variant is absent from the Genome Aggregation Database (v2.1.1), indicating it is not a common polymorphism. Additionally, another variant at this codon (c.335G>A, p.Arg112Gln; also known as c.401G>A; p.Arg134Gln for NM_000457.5) has been reported in individuals with maturity-onset diabetes of the young (MODY) and is considered pathogenic (Mirshahi 2022).Computational analyses predict that this variant is deleterious (REVEL: 0.948). Based on available information, this variant is considered to be likely pathogenic. References: Mirshahi UL et al. Reduced penetrance of MODY-associated HNF1A/HNF4A variants but not GCK variants in clinically unselected cohorts. Am J Hum Genet. 2022 Nov 3;109(11):2018-2028. PMID: 36257325.